The following is an entry in ClinVar:

ClinVar aggregate classification (germline): Uncertain significance. Review status: criteria provided, single submitter (1 of 4 stars). 2 submissions from 2 submitters: Uncertain significance (1). 1 of the submissions does not count toward it. Last evaluated 2023-04-17.

Conditions:
Inborn genetic diseases. Identifiers: MedGen C0950123, MeSH D030342.
PHF8-related disorder. Also called: PHF8-related condition.

Allele frequency attached by ClinVar (database versions not stated): gnomAD exomes below 0.00001; TOPMed below 0.00001; gnomAD 0.00001; ExAC 0.00003.
gnomAD v4.1: 5 of 1,197,708 alleles (0.00042%); highest among the groups gnomAD compares: African/African-American, 0.0018%; no homozygotes.

Submissions (2):

Ambry Genetics
Classification: Uncertain significance for Inborn genetic diseases. Last evaluated: 2023-04-17. Review status: criteria provided, single submitter. Criteria: Ambry Variant Classification Scheme 2023. Collection method: clinical testing. Allele origin: germline.

PreventionGenetics, part of Exact Sciences
Classification: Uncertain significance for PHF8-related condition. Last evaluated: 2024-03-20. Review status: no assertion criteria provided. Collection method: clinical testing. Allele origin: germline. Not counted in ClinVar's aggregate classification.
Comment: The PHF8 c.132C>G variant is predicted to result in the amino acid substitution p.Asp44Glu. To our knowledge, this variant has not been reported in the literature. This variant is reported in 0.0077% of alleles in individuals of African descent in gnomAD. At this time, the clinical significance of this variant is uncertain due to the absence of conclusive functional and genetic evidence.

NM_015107.3(PHF8):c.132C>G (p.Asp44Glu)

Gene: PHF8 (PHD finger protein 8; minus strand). Cytogenetic location: Xp11.22.
Variant type: single nucleotide variant.
Coding change: c.132C>G on transcript NM_015107.3 (MANE Select); coding-DNA position 132, C replaced by G.
Protein change: p.Asp44Glu; replaces aspartic acid 44 with glutamic acid.
Molecular consequence: missense variant.
Genome position (GRCh38, 1-based): chrX:54,022,810, G>C on the plus strand (C>G on the coding strand, the complement: PHF8 is on the minus strand). VCF-style: chrX-54022810-G-C. GRCh37 (hg19) VCF-style: chrX-54049243-G-C.
Other names: c.240C>G, p.Asp80Glu (NM_001184896.1); c.132C>G, p.Asp44Glu (NM_001184897.2, NM_001184898.2); short protein forms D80E, D44E.
Identifiers: ClinVar variation 2537150 (VCV002537150.3), dbSNP rs782797933, ClinGen allele CA10423672.